The following is an entry in ClinVar:

ClinVar aggregate classification (germline): Uncertain significance (1 of 4 stars; one submission).

Conditions:
Hereditary cancer-predisposing syndrome. Also called: Hereditary neoplastic syndrome; Neoplastic Syndromes, Hereditary; Tumor predisposition; Hereditary Cancer Syndrome. Identifiers: Orphanet 140162, MedGen C0027672, MeSH D009386, MONDO:0015356.

Submission:

Ambry Genetics
Classification: Uncertain significance for Hereditary cancer-predisposing syndrome. Last evaluated: 2025-01-15. Review status: criteria provided, single submitter. Criteria: Ambry Variant Classification Scheme 2023. Collection method: clinical testing. Allele origin: germline.
Comment: The p.R320K variant (also known as c.959G>A), located in coding exon 9 of the BRCA1 gene, results from a G to A substitution at nucleotide position 959. The arginine at codon 320 is replaced by lysine, an amino acid with highly similar properties. This amino acid position is well conserved in available vertebrate species. In addition, this alteration is predicted to be deleterious by in silico analysis. Based on the available evidence, the clinical significance of this variant remains unclear.

NM_007294.4(BRCA1):c.959G>A (p.Arg320Lys)

Gene: BRCA1 (BRCA1 DNA repair associated; minus strand). Cytogenetic location: 17q21.31.
Variant type: single nucleotide variant.
Coding change: c.959G>A on transcript NM_007294.4 (MANE Select); coding-DNA position 959, G replaced by A.
Protein change: p.Arg320Lys; replaces arginine 320 with lysine.
Molecular consequence: missense variant. On other transcripts: intron variant (137).
Genome position (GRCh38, 1-based): chr17:43,094,572, C>T on the plus strand (G>A on the coding strand, the complement: BRCA1 is on the minus strand). VCF-style: chr17-43094572-C-T. GRCh37 (hg19) VCF-style: chr17-41246589-C-T.
Other names: c.646+172G>A (NM_001408410.1, NM_001408458.1, NM_001408469.1 and 11 more transcripts); c.709+172G>A (NM_001408415.1, NM_001408412.1, NM_001408409.1 and 2 more transcripts); c.577+172G>A (NM_001408483.1, NM_001408481.1, NM_001408480.1 and 9 more transcripts); c.836G>A, p.Arg279Lys (NM_001407668.1, NM_001407669.1, NM_001407674.1 and 19 more transcripts); c.833G>A, p.Arg278Lys (NM_001407670.1, NM_001407671.1, NM_001407673.1 and 11 more transcripts); c.664+172G>A (NM_001408442.1, NM_001408426.1, NM_001408436.1 and 12 more transcripts); c.787+172G>A (NM_001407982.1, NM_001407970.1, NM_001407980.1 and 19 more transcripts); c.746G>A, p.Arg249Lys (NM_001407571.1, NM_001407853.1, NM_001407894.1 and 9 more transcripts); and 40 more; short protein forms R209K, R249K, R250K, R279K, R208K, R232K, R24K, R253K.
Identifiers: ClinVar variation 3825300 (VCV003825300.1).
Genomic context (GRCh38, chr17:43,094,572, plus strand): 5'-ACCTTTTTTTCTGTGCTGGGAGTCCGCCTATCATTACATGTTTCCTTACTTCCAGCCCAT[C>T]TGTTATGTTGGCTCCTTGCTAAGCCAGGCTGTTTGCTTTTATTACAGAATTCAGCCTTTT-3'
Protein context (NP_009225.1, residues 310-330): QPGLARSQHN[Arg320Lys]WAGSKETCND